The following is an entry in ClinVar:

NM_012254.3(SLC27A5):c.1667+5G>A

Gene: SLC27A5 (solute carrier family 27 member 5; minus strand). Cytogenetic location: 19q13.43.
Variant type: single nucleotide variant.
Coding change: c.1667+5G>A on transcript NM_012254.3 (MANE Select); 5 bases into the intron after coding-DNA position 1667, G replaced by A.
Molecular consequence: intron variant.
Genome position (GRCh38, 1-based): chr19:58,499,487, C>T on the plus strand (G>A on the coding strand, the complement: SLC27A5 is on the minus strand). VCF-style: chr19-58499487-C-T. GRCh37 (hg19) VCF-style: chr19-59010854-C-T.
Other names: c.1415+5G>A (NM_001321196.2).
Identifiers: ClinVar variation 3349619 (VCV003349619.1).
Genomic context (GRCh38, chr19:58,499,487, plus strand): 5'-CCTCTAGGATCTGAAAGCGTCCGTGGCCCCGCGCCAGCCCCGCCCCGAGAAACCCTGCCT[C>T]GGACCGGAAGGTGTCCCCGAGGCGGTCGCGGAAGTAGAGGAAGCCTTCGCGGTCCATGGC-3'

ClinVar aggregate classification (germline): Uncertain significance (0 of 4 stars; one submission).

Conditions:
SLC27A5-related disorder. Also called: SLC27A5-related condition.

gnomAD v4.1: 4 of 1,612,786 alleles (0.00025%); highest among the groups gnomAD compares: African/African-American, 0.0013%; no homozygotes.

Submission:

PreventionGenetics, part of Exact Sciences
Classification: Uncertain significance for SLC27A5-related condition. Last evaluated: 2024-07-02. Review status: no assertion criteria provided. Collection method: clinical testing. Allele origin: germline.
Comment: The SLC27A5 c.1667+5G>A variant is predicted to interfere with splicing. To our knowledge, this variant has not been reported in the literature or in a large population database, indicating this variant is rare. This variant is predicted to affect a nearby canonical splice site according to an in silico splicing algorithm (SpliceAI, Jaganathan K, et al. 2019. PubMed ID: 30661751). However, the use of computer prediction programs is not equivalent to functional evidence. At this time, the clinical significance of this variant is uncertain due to the absence of conclusive functional and genetic evidence.